The following is an entry in ClinVar:

NM_000521.4(HEXB):c.263dup (p.Ser90fs)

Gene: HEXB (hexosaminidase subunit beta; plus strand). Cytogenetic location: 5q13.3.
Variant type: Duplication.
Coding change: c.263dup on transcript NM_000521.4 (MANE Select); coding-DNA position 263, one base duplicated (G; older notation c.263dupG).
Protein change: p.Ser90fs; shifts the reading frame from serine 90.
Molecular consequence: frameshift variant. On other transcripts: intron variant (1).
Genome position (GRCh38, 1-based): chr5:74,685,523, G duplicated; the last of 3 consecutive G bases (chr5:74,685,521-74,685,523); duplicating any one gives the same sequence. VCF-style (leftmost placement, unchanged base first): chr5-74685520-C-CG. GRCh37 (hg19) VCF-style: chr5-73981345-C-CG.
Other names: c.-376-3805dup (NM_001292004.2); short protein forms S90fs.
Identifiers: ClinVar variation 5012023 (VCV005012023.1).

ClinVar aggregate classification (germline): Pathogenic (1 of 4 stars; one submission).

Conditions:
Sandhoff disease. Also called: GM2-GANGLIOSIDOSIS, TYPE II; HEXOSAMINIDASES A AND B DEFICIENCY; Beta-hexosaminidase-beta-subunit deficiency; GM2 gangliosidosis, type 2; Total hexosaminidase deficiency; Sandhoff-Jatzkewitz-Pilz disease. Identifiers: Orphanet 796, MedGen C0036161, MONDO:0010006, OMIM 268800.

Submission:

Myriad Genetics, Inc.
Classification: Pathogenic for Sandhoff disease. Last evaluated: 2023-09-27. Review status: criteria provided, single submitter. Criteria: Myriad Autosomal Dominant, Autosomal Recessive and X-Linked Classification Criteria (2023). Collection method: clinical testing. Allele origin: unknown.
Comment: NM_000521.3(HEXB):c.263dupG(S90Lfs*25) is expected to be pathogenic in the context of Sandhoff disease. This variant is predicted to lead to an abnormal or absent protein product due to the creation of a premature termination codon in HEXB, a gene where loss-of-function variants are known to be pathogenic. Please note: this variant was assessed in the context of healthy population screening.